The following is an entry in ClinVar:

ClinVar aggregate classification (germline): Uncertain significance (1 of 4 stars; one submission).

Conditions:
Spinocerebellar ataxia type 5 (SCA5). Identifiers: Orphanet 98766, MedGen C0752123, MONDO:0010848, OMIM 600224.

Allele frequency attached by ClinVar (database versions not stated): gnomAD exomes below 0.00001.
gnomAD v4.1: 1 of 1,609,196 alleles (0.000062%); highest among the groups gnomAD compares: Non-Finnish European, 0.000085%; no homozygotes.

Submission:

Centre for Mendelian Genomics, University Medical Centre Ljubljana
Classification: Uncertain significance for Spinocerebellar ataxia type 5. Last evaluated: 2019-03-06. Review status: criteria provided, single submitter. Criteria: ACMG Guidelines, 2015. Collection method: clinical testing. Allele origin: unknown. Affected: yes.
Comment: This variant was classified as: Uncertain significance. The available evidence on this variant's pathogenicity is insufficient or conflicting. The following ACMG criteria were applied in classifying this variant: PM2,PP3.

NM_006946.4(SPTBN2):c.6688G>C (p.Glu2230Gln)

Gene: SPTBN2 (spectrin beta, non-erythrocytic 2; minus strand). Cytogenetic location: 11q13.2.
Variant type: single nucleotide variant.
Coding change: c.6688G>C on transcript NM_006946.4 (MANE Select); coding-DNA position 6688, G replaced by C.
Protein change: p.Glu2230Gln; replaces glutamic acid 2230 with glutamine.
Molecular consequence: missense variant.
Genome position (GRCh38, 1-based): chr11:66,687,461, C>G on the plus strand (G>C on the coding strand, the complement: SPTBN2 is on the minus strand). VCF-style: chr11-66687461-C-G. GRCh37 (hg19) VCF-style: chr11-66454932-C-G.
Other names: short protein forms E2230Q.
Identifiers: ClinVar variation 930223 (VCV000930223.3), dbSNP rs1940196069, ClinGen allele CA381456005.